The following is an entry in ClinVar:

NM_178170.3(NEK8):c.1148G>A (p.Arg383His)

Gene: NEK8 (NIMA related kinase 8; plus strand). Cytogenetic location: 17q11.2.
Variant type: single nucleotide variant.
Coding change: c.1148G>A on transcript NM_178170.3 (MANE Select); coding-DNA position 1148, G replaced by A.
Protein change: p.Arg383His; replaces arginine 383 with histidine.
Molecular consequence: missense variant.
Genome position (GRCh38, 1-based): chr17:28,738,171, G>A. VCF-style: chr17-28738171-G-A. GRCh37 (hg19) VCF-style: chr17-27065189-G-A.
Other names: short protein forms R383H.
Identifiers: ClinVar variation 322481 (VCV000322481.12), dbSNP rs138066977, ClinGen allele CA8467322.

ClinVar aggregate classification (germline): Uncertain significance. Review status: criteria provided, multiple submitters, no conflicts (2 of 4 stars). 3 submissions from 3 submitters: Uncertain significance (3). Last evaluated 2025-11-23.

Conditions:
Renal-hepatic-pancreatic dysplasia 2 (RHPD2). Identifiers: MedGen C3809434, MONDO:0014174, OMIM 615415.
Nephronophthisis 9 (NPHP9). Identifiers: Orphanet 655, MedGen C3151188, MONDO:0013444, OMIM 613824.
Polycystic kidney disease 8. Identifiers: MedGen C5935640, MONDO:0971178, OMIM 620903.

Allele frequency attached by ClinVar (database versions not stated): ESP Exome Variant Server 0.00008; gnomAD 0.00011 and 0.00013; TOPMed 0.00021.
gnomAD v4.1: 225 of 1,614,134 alleles (0.014%); highest among the groups gnomAD compares: Admixed American, 0.083%; no homozygotes.

Submissions (3):

Labcorp Genetics (formerly Invitae), Labcorp
Classification: Uncertain significance for Nephronophthisis 9. Last evaluated: 2025-11-23. Review status: criteria provided, single submitter. Criteria: Invitae Variant Classification Sherloc (09022015). Collection method: clinical testing. Allele origin: germline.
Comment: This sequence change replaces arginine, which is basic and polar, with histidine, which is basic and polar, at codon 383 of the NEK8 protein (p.Arg383His). This variant is present in population databases (rs138066977, gnomAD 0.1%). This variant has not been reported in the literature in individuals affected with NEK8-related conditions. ClinVar contains an entry for this variant (Variation ID: 322481). An algorithm developed to predict the effect of missense changes on protein structure and function (PolyPhen-2) suggests that this variant is likely to be disruptive. In summary, the available evidence is currently insufficient to determine the role of this variant in disease. Therefore, it has been classified as a Variant of Uncertain Significance.

Fulgent Genetics
Classification: Uncertain significance for Nephronophthisis 9; Renal-hepatic-pancreatic dysplasia 2; Polycystic kidney disease 8. Last evaluated: 2024-02-07. Review status: criteria provided, single submitter. Criteria: ACMG Guidelines, 2015. Collection method: clinical testing. Allele origin: germline.

Illumina Laboratory Services, Illumina
Classification: Uncertain significance for Nephronophthisis 9. Last evaluated: 2018-01-13. Review status: criteria provided, single submitter. Criteria: ICSL Variant Classification Criteria 13 December 2019. Collection method: clinical testing. Allele origin: germline.